The following is an entry in ClinVar:

NM_001081.4(CUBN):c.4042G>T (p.Gly1348Ter)

Gene: CUBN (cubilin; minus strand). Cytogenetic location: 10p13.
Variant type: single nucleotide variant.
Coding change: c.4042G>T on transcript NM_001081.4 (MANE Select); coding-DNA position 4042, G replaced by T.
Protein change: p.Gly1348Ter; replaces glycine 1348 with a stop codon.
Molecular consequence: nonsense.
Genome position (GRCh38, 1-based): chr10:17,019,959, C>A on the plus strand (G>T on the coding strand, the complement: CUBN is on the minus strand). VCF-style: chr10-17019959-C-A. GRCh37 (hg19) VCF-style: chr10-17061958-C-A.
Other names: short protein forms G1348*.
Identifiers: ClinVar variation 3235994 (VCV003235994.1), dbSNP rs2491869860, ClinGen allele CA376142526.
Genomic context (GRCh38, chr10:17,019,959, plus strand): 5'-CTTGAAGCTTGGAGCTTGTAGTACTCCCTGGAGGGGGCAGGTCTACTCCACAGTAGCGTC[C>A]CATCTGCCGTGGTCCATCATAGAGCTGAAATTGAAGAGAAACTTTCCCATATAAAAACAC-3'

ClinVar aggregate classification (germline): Pathogenic (1 of 4 stars; one submission).

Conditions:
Imerslund-Grasbeck syndrome type 1 (IGS1). Also called: Megaloblastic anemia 1, Finnish type; MEGALOBLASTIC ANEMIA, 1; Imerslund-Gräsbeck syndrome 1. Identifiers: MedGen C4016819, MONDO:0100156, OMIM 261100.

Submission:

MVZ Medizinische Genetik Mainz
Classification: Pathogenic for Imerslund-Grasbeck syndrome type 1. Last evaluated: 2023-03-23. Review status: criteria provided, single submitter. Criteria: UK Practice Guidelines For Variant Classification V4 01 2020. Collection method: clinical testing. Allele origin: germline. Inheritance: Autosomal recessive inheritance. Affected: yes. Observed: 1 variant allele.
Comment: ACMG Criteria: PVS1,PM2_SUP,PM3_SUP